The following is an entry in ClinVar:

NM_000057.4(BLM):c.1044G>A (p.Met348Ile)

Gene: BLM (BLM RecQ like helicase; plus strand). Cytogenetic location: 15q26.1.
Variant type: single nucleotide variant.
Coding change: c.1044G>A on transcript NM_000057.4 (MANE Select); coding-DNA position 1044, G replaced by A.
Protein change: p.Met348Ile; replaces methionine 348 with isoleucine.
Molecular consequence: missense variant. On other transcripts: 5 prime UTR variant (1).
Genome position (GRCh38, 1-based): chr15:90,754,895, G>A. VCF-style: chr15-90754895-G-A. GRCh37 (hg19) VCF-style: chr15-91298125-G-A.
Other names: c.1044G>A (LRG_20t1); c.1044G>A, p.Met348Ile (NM_001287246.2, NM_001287247.2); c.-248G>A (NM_001287248.2); short protein forms M348I.
Identifiers: ClinVar variation 413284 (VCV000413284.24), dbSNP rs184657475, ClinGen allele CA7738414.

ClinVar aggregate classification (germline): Conflicting classifications of pathogenicity. Review status: criteria provided, conflicting classifications (1 of 4 stars). 7 submissions from 7 submitters: Uncertain significance (2); Benign (1); Likely benign (2). 2 of the submissions do not count toward it. Last evaluated 2026-02-03.

Conditions:
BLM-related disorder. Also called: BLM-related condition.
Bloom syndrome (BLM). Also called: Bloom-Torre-Machacek syndrome. Identifiers: Orphanet 125, MedGen C0005859, MONDO:0008876, OMIM 210900.
Hereditary cancer-predisposing syndrome. Also called: Neoplastic Syndromes, Hereditary; Tumor predisposition; Hereditary Cancer Syndrome; Hereditary neoplastic syndrome. Identifiers: Orphanet 140162, MedGen C0027672, MeSH D009386, MONDO:0015356.
Hereditary breast ovarian cancer syndrome. Also called: Breast and ovarian cancer; Hereditary breast and ovarian cancer; Hereditary breast and/or ovarian cancer syndrome; BRCA1- and BRCA2-Associated Hereditary Breast and Ovarian Cancer; Hereditary breast and ovarian cancer syndrome; Hereditary breast and ovarian cancer syndrome (HBOC). Identifiers: Orphanet 145, MedGen C0677776, MeSH D061325, MONDO:0003582. Disease mechanism: loss of function.

Allele frequency attached by ClinVar (database versions not stated): gnomAD 0.00006 and 0.00008; gnomAD exomes 0.00008 and 0.00024; 1000 Genomes Project 30x 0.00016; TOPMed 0.00019; 1000 Genomes Project 0.00020; ExAC 0.00023.
gnomAD v4.1: 133 of 1,613,918 alleles (0.0082%); highest among the groups gnomAD compares: East Asian, 0.27%; no homozygotes.

Submissions (7):

Labcorp Genetics (formerly Invitae), Labcorp
Classification: Benign for Bloom syndrome. Last evaluated: 2026-02-03. Review status: criteria provided, single submitter. Criteria: Invitae Variant Classification Sherloc (09022015). Collection method: clinical testing. Allele origin: germline.

Women's Health and Genetics/Laboratory Corporation of America, LabCorp
Classification: Uncertain significance. Last evaluated: 2025-06-23. Review status: criteria provided, single submitter. Criteria: LabCorp Variant Classification Summary - May 2015. Collection method: clinical testing. Allele origin: germline.
Comment: Variant summary: BLM c.1044G>A (p.Met348Ile) results in a conservative amino acid change in the encoded protein sequence. Algorithms developed to predict the effect of missense changes on protein structure and function all suggest that this variant is likely to be tolerated. The variant allele was found at a frequency of 0.00024 in 250878 control chromosomes (gnomAD). This frequency is not significantly higher than estimated for a pathogenic variant in BLM causing Bloom Syndrome (0.00024 vs 0.0035), allowing no conclusion about variant significance. c.1044G>A has been observed in individuals affected with Melanoma, Urothelial carcinoma or Schuurs-Hoeijmakers syndrome (Luo_2020, Yang_2021, Ohkawa_2021). These reports do not provide unequivocal conclusions about association of the variant with Bloom Syndrome. To our knowledge, no experimental evidence demonstrating an impact on protein function has been reported. The following publications have been ascertained in the context of this evaluation (PMID: 23292937, 32083130, 33588785, 34341476). ClinVar contains an entry for this variant (Variation ID: 413284). Based on the evidence outlined above, the variant was classified as uncertain significance.

Quest Diagnostics Nichols Institute San Juan Capistrano
Classification: Likely benign. Last evaluated: 2023-06-29. Review status: criteria provided, single submitter. Criteria: Quest Diagnostics criteria. Collection method: clinical testing. Allele origin: unknown.

Ambry Genetics
Classification: Likely benign for Hereditary cancer-predisposing syndrome. Last evaluated: 2022-11-14. Review status: criteria provided, single submitter. Criteria: Ambry Variant Classification Scheme 2023. Collection method: clinical testing. Allele origin: germline.

Cancer Genomics Group, Japanese Foundation For Cancer Research
Classification: Uncertain significance for Hereditary breast and ovarian cancer syndrome. Last evaluated: 2019-05-01. Review status: criteria provided, single submitter. Criteria: ACMG Guidelines, 2015. Collection method: research. Allele origin: germline. Affected: yes.

PreventionGenetics, part of Exact Sciences
Classification: Likely benign for BLM-related condition. Last evaluated: 2022-09-01. Review status: no assertion criteria provided. Collection method: clinical testing. Allele origin: germline. Not counted in ClinVar's aggregate classification.
Comment: This variant is classified as likely benign based on ACMG/AMP sequence variant interpretation guidelines (Richards et al. 2015 PMID: 25741868, with internal and published modifications).

Genetic Services Laboratory, University of Chicago
Classification: Uncertain significance. Last evaluated: 2022-05-06. Review status: no assertion criteria provided. Collection method: clinical testing. Allele origin: germline. Affected: no. Not counted in ClinVar's aggregate classification.
Comment: DNA sequence analysis of the BLM gene demonstrated a sequence change, c.1044G>A, in exon 5 that results in an amino acid change, p.Met348Ile. This sequence change has been described in the gnomAD database with a frequency of 0.33% in the East Asian subpopulation (dbSNP rs184657475). The p.Met348Ile change affects a poorly conserved amino acid residue located in a domain of the BLM protein that is not known to be functional. The p.Met348Ile substitution appears to be benign using several in-silico pathogenicity prediction tools (SIFT, PolyPhen2, Align GVGD, REVEL). This sequence change does not appear to have been previously described in individuals with BLM-related disorders. Due to insufficient evidences and the lack of functional studies, the clinical significance of the p.Met348Ile change remains unknown at this time.

Literature cited by the submitters: PubMed 23292937 (cited by Women's Health and Genetics/Laboratory Corporation of America, LabCorp and Quest Diagnostics Nichols Institute San Juan Capistrano); PubMed 33588785 (cited by Women's Health and Genetics/Laboratory Corporation of America, LabCorp); PubMed 32083130 (cited by Women's Health and Genetics/Laboratory Corporation of America, LabCorp); PubMed 34341476 (cited by Women's Health and Genetics/Laboratory Corporation of America, LabCorp).